The following is an entry in ClinVar:

ClinVar aggregate classification (germline): Uncertain significance (1 of 4 stars; one submission).

Conditions:
Myasthenic syndrome, congenital, 22 (CMS22). Also called: PREPL DEFICIENCY. Identifiers: MedGen C4479088, MONDO:0044299, OMIM 616224.

Submission:

Labcorp Genetics (formerly Invitae), Labcorp
Classification: Uncertain significance for Myasthenic syndrome, congenital, 22. Last evaluated: 2025-05-06. Review status: criteria provided, single submitter. Criteria: Invitae Variant Classification Sherloc (09022015). Collection method: clinical testing. Allele origin: germline.
Comment: This sequence change replaces serine, which is neutral and polar, with threonine, which is neutral and polar, at codon 203 of the PREPL protein (p.Ser203Thr). This variant is not present in population databases (gnomAD no frequency). This variant has not been reported in the literature in individuals affected with PREPL-related conditions. Invitae Evidence Modeling of protein sequence and biophysical properties (such as structural, functional, and spatial information, amino acid conservation, physicochemical variation, residue mobility, and thermodynamic stability) indicates that this missense variant is not expected to disrupt PREPL protein function with a negative predictive value of 80%. In summary, the available evidence is currently insufficient to determine the role of this variant in disease. Therefore, it has been classified as a Variant of Uncertain Significance.

NM_001171613.2(PREPL):c.340T>A (p.Ser114Thr)

Gene: PREPL (prolyl endopeptidase like; minus strand). Cytogenetic location: 2p21.
Variant type: single nucleotide variant.
Coding change: c.340T>A on transcript NM_001171613.2 (MANE Select); coding-DNA position 340, T replaced by A.
Protein change: p.Ser114Thr; replaces serine 114 with threonine.
Molecular consequence: missense variant.
Genome position (GRCh38, 1-based): chr2:44,343,754, A>T on the plus strand (T>A on the coding strand, the complement: PREPL is on the minus strand). VCF-style: chr2-44343754-A-T. GRCh37 (hg19) VCF-style: chr2-44570893-A-T.
Other names: c.607T>A, p.Ser203Thr (NM_001042385.2, NM_001042386.2, NM_001171603.1 and 4 more transcripts); c.340T>A, p.Ser114Thr (NM_001171617.1, NM_001374277.1); short protein forms S203T, S114T.
Identifiers: ClinVar variation 4762896 (VCV004762896.1).